The following is an entry in ClinVar:

ClinVar aggregate classification (germline): Uncertain significance (1 of 4 stars; one submission).

Conditions:
Early-infantile DEE. Also called: Ohtahara syndrome; Early infantile epileptic encephalopathy with suppression bursts; Early infantile epileptic encephalopathy. Identifiers: Orphanet 1934, MedGen C0393706, MONDO:0800491.

Submission:

Labcorp Genetics (formerly Invitae), Labcorp
Classification: Uncertain significance for Early-infantile DEE. Last evaluated: 2025-12-15. Review status: criteria provided, single submitter. Criteria: Invitae Variant Classification Sherloc (09022015). Collection method: clinical testing. Allele origin: germline.
Comment: This sequence change replaces leucine, which is neutral and non-polar, with methionine, which is neutral and non-polar, at codon 297 of the KCNH5 protein (p.Leu297Met). This variant is not present in population databases (gnomAD no frequency). This variant has not been reported in the literature in individuals affected with KCNH5-related conditions. Invitae Evidence Modeling of protein sequence and biophysical properties (such as structural, functional, and spatial information, amino acid conservation, physicochemical variation, residue mobility, and thermodynamic stability) indicates that this missense variant is not expected to disrupt KCNH5 protein function with a negative predictive value of 80%. In summary, the available evidence is currently insufficient to determine the role of this variant in disease. Therefore, it has been classified as a Variant of Uncertain Significance.

NM_139318.5(KCNH5):c.889C>A (p.Leu297Met)

Gene: KCNH5 (potassium voltage-gated channel subfamily H member 5; minus strand). Cytogenetic location: 14q23.2.
Variant type: single nucleotide variant.
Coding change: c.889C>A on transcript NM_139318.5 (MANE Select); coding-DNA position 889, C replaced by A.
Protein change: p.Leu297Met; replaces leucine 297 with methionine.
Molecular consequence: missense variant.
Genome position (GRCh38, 1-based): chr14:62,980,925, G>T on the plus strand (C>A on the coding strand, the complement: KCNH5 is on the minus strand). VCF-style: chr14-62980925-G-T. GRCh37 (hg19) VCF-style: chr14-63447643-G-T.
Other names: c.889C>A, p.Leu297Met (NM_172375.3); short protein forms L297M.
Identifiers: ClinVar variation 4744006 (VCV004744006.1).